The following is an entry in ClinVar:

ClinVar aggregate classification (germline): Uncertain significance. Review status: criteria provided, multiple submitters, no conflicts (2 of 4 stars). 5 submissions from 5 submitters: Uncertain significance (5). Last evaluated 2025-05-08.

Conditions:
Hereditary cancer-predisposing syndrome. Also called: Hereditary Cancer Syndrome; Hereditary neoplastic syndrome; Neoplastic Syndromes, Hereditary; Tumor predisposition. Identifiers: Orphanet 140162, MedGen C0027672, MeSH D009386, MONDO:0015356.
Peutz-Jeghers syndrome (PJS). Also called: POLYPOSIS, HAMARTOMATOUS INTESTINAL; POLYPS-AND-SPOTS SYNDROME; Peutz-Jeghers polyposis; Periorificial lentiginosis syndrome. Identifiers: Orphanet 2869, MedGen C0031269, MeSH D010580, MONDO:0008280, OMIM 175200.

Submissions (5):

Ambry Genetics
Classification: Uncertain significance for Hereditary cancer-predisposing syndrome. Last evaluated: 2025-05-08. Review status: criteria provided, single submitter. Criteria: Ambry Variant Classification Scheme 2023. Collection method: clinical testing. Allele origin: germline.
Comment: The p.F204L variant (also known as c.612C>A), located in coding exon 5 of the STK11 gene, results from a C to A substitution at nucleotide position 612. The phenylalanine at codon 204 is replaced by leucine, an amino acid with highly similar properties. This amino acid position is highly conserved in available vertebrate species. In addition, this alteration is predicted to be tolerated by in silico analysis. Based on the available evidence, the clinical significance of this variant remains unclear.

GeneDx
Classification: Uncertain significance. Last evaluated: 2025-02-19. Review status: criteria provided, single submitter. Criteria: GeneDx Variant Classification Process June 2021. Collection method: clinical testing. Allele origin: germline. Affected: yes.
Comment: Not observed at significant frequency in large population cohorts (gnomAD); In silico analysis supports that this missense variant has a deleterious effect on protein structure/function; Has not been previously published as pathogenic or benign to our knowledge; This variant is associated with the following publications: (PMID: 15863673)

Labcorp Genetics (formerly Invitae), Labcorp
Classification: Uncertain significance for Peutz-Jeghers syndrome. Last evaluated: 2024-09-18. Review status: criteria provided, single submitter. Criteria: Invitae Variant Classification Sherloc (09022015). Collection method: clinical testing. Allele origin: germline.
Comment: This sequence change replaces phenylalanine, which is neutral and non-polar, with leucine, which is neutral and non-polar, at codon 204 of the STK11 protein (p.Phe204Leu). This variant is not present in population databases (gnomAD no frequency). This variant has not been reported in the literature in individuals affected with STK11-related conditions. ClinVar contains an entry for this variant (Variation ID: 922825). Invitae Evidence Modeling of protein sequence and biophysical properties (such as structural, functional, and spatial information, amino acid conservation, physicochemical variation, residue mobility, and thermodynamic stability) has been performed for this missense variant. However, the output from this modeling did not meet the statistical confidence thresholds required to predict the impact of this variant on STK11 protein function. In summary, the available evidence is currently insufficient to determine the role of this variant in disease. Therefore, it has been classified as a Variant of Uncertain Significance.

Genome-Nilou Lab
Classification: Uncertain significance for Peutz-Jeghers syndrome. Last evaluated: 2021-07-15. Review status: criteria provided, single submitter. Criteria: ACMG Guidelines, 2015. Collection method: clinical testing. Allele origin: germline. Affected: no.

Color Diagnostics, LLC DBA Color Health
Classification: Uncertain significance for Hereditary cancer-predisposing syndrome. Last evaluated: 2019-03-29. Review status: criteria provided, single submitter. Criteria: ACMG Guidelines, 2015. Collection method: clinical testing. Allele origin: germline.

NM_000455.5(STK11):c.612C>A (p.Phe204Leu)

Gene: STK11 (serine/threonine kinase 11; plus strand). Cytogenetic location: 19p13.3.
Variant type: single nucleotide variant.
Coding change: c.612C>A on transcript NM_000455.5 (MANE Select); coding-DNA position 612, C replaced by A.
Protein change: p.Phe204Leu; replaces phenylalanine 204 with leucine.
Molecular consequence: missense variant.
Genome position (GRCh38, 1-based): chr19:1,220,595, C>A. VCF-style: chr19-1220595-C-A. GRCh37 (hg19) VCF-style: chr19-1220594-C-A.
Other names: short protein forms F204L.
Identifiers: ClinVar variation 922825 (VCV000922825.15), dbSNP rs774100153, ClinGen allele CA402949443.